The following is an entry in ClinVar:

NM_005257.6(GATA6):c.983A>T (p.His328Leu)

Gene: GATA6 (GATA binding protein 6; plus strand). Cytogenetic location: 18q11.2.
Variant type: single nucleotide variant.
Coding change: c.983A>T on transcript NM_005257.6 (MANE Select); coding-DNA position 983, A replaced by T.
Protein change: p.His328Leu; replaces histidine 328 with leucine.
Molecular consequence: missense variant.
Genome position (GRCh38, 1-based): chr18:22,172,127, A>T. VCF-style: chr18-22172127-A-T. GRCh37 (hg19) VCF-style: chr18-19752088-A-T.
Other names: short protein forms H328L.
Identifiers: ClinVar variation 3389620 (VCV003389620.14).

ClinVar aggregate classification (germline): Uncertain significance (1 of 4 stars; one submission).

Submission:

CeGaT Center for Human Genetics Tuebingen
Classification: Uncertain significance. Last evaluated: 2024-09-01. Review status: criteria provided, single submitter. Criteria: CeGaT Center For Human Genetics Tuebingen Variant Classification Criteria Version 2. Collection method: clinical testing. Allele origin: germline. Affected: yes. Observed: 1 variant allele.
Comment: GATA6: PM2, PP3